The following is an entry in ClinVar:

NM_000127.3(EXT1):c.1797G>A (p.Trp599Ter)

Gene: EXT1 (exostosin glycosyltransferase 1; minus strand). Cytogenetic location: 8q24.11.
Variant type: single nucleotide variant.
Coding change: c.1797G>A on transcript NM_000127.3 (MANE Select); coding-DNA position 1797, G replaced by A.
Protein change: p.Trp599Ter; replaces tryptophan 599 with a stop codon.
Molecular consequence: nonsense.
Genome position (GRCh38, 1-based): chr8:117,807,303, C>T on the plus strand (G>A on the coding strand, the complement: EXT1 is on the minus strand). VCF-style: chr8-117807303-C-T. GRCh37 (hg19) VCF-style: chr8-118819542-C-T.
Other names: short protein forms W599*.
Identifiers: ClinVar variation 845784 (VCV000845784.9), dbSNP rs1718310043, ClinGen allele CA371878306.

ClinVar aggregate classification (germline): Pathogenic (1 of 4 stars; one submission).

Conditions:
Multiple congenital exostosis (EXT). Also called: MULTIPLE CARTILAGINOUS EXOSTOSES; Hereditary multiple exostoses; Hereditary multiple exostosis; Multiple exostoses; Multiple osteochondromas; Hereditary multiple osteochondromas. Identifiers: Orphanet 321, MedGen C0015306, MONDO:0005508, HP:0002762.

Submission:

Labcorp Genetics (formerly Invitae), Labcorp
Classification: Pathogenic for Multiple congenital exostosis. Last evaluated: 2019-01-26. Review status: criteria provided, single submitter. Criteria: Invitae Variant Classification Sherloc (09022015). Collection method: clinical testing. Allele origin: germline.
Comment: For these reasons, this variant has been classified as Pathogenic. Loss-of-function variants in EXT1 are known to be pathogenic (PMID: 10679937, 11391482, 19810120). This variant has been observed in individuals affected with hereditary multiple exostoses (PMID: 11170095, Invitae). This variant is not present in population databases (ExAC no frequency). This sequence change creates a premature translational stop signal (p.Trp599*) in the EXT1 gene. It is expected to result in an absent or disrupted protein product.

Literature cited by the submitters: PubMed 10679937; PubMed 11391482; PubMed 19810120; PubMed 11170095.